The following is an entry in ClinVar:

ClinVar aggregate classification (germline): Uncertain significance (1 of 4 stars; one submission).

Conditions:
COG8-congenital disorder of glycosylation. Also called: COG8-CDG; CDG IIh. Identifiers: Orphanet 95428, MedGen C1970021, MONDO:0012635, OMIM 611182.

Allele frequency attached by ClinVar (database versions not stated): gnomAD 0.00001; TOPMed 0.00001; gnomAD exomes 0.00002 and 0.00003; ExAC 0.00003.
gnomAD v4.1: 29 of 1,613,830 alleles (0.0018%); highest among the groups gnomAD compares: Non-Finnish European, 0.0022%; no homozygotes.

Submission:

Labcorp Genetics (formerly Invitae), Labcorp
Classification: Uncertain significance for COG8-congenital disorder of glycosylation. Last evaluated: 2022-03-17. Review status: criteria provided, single submitter. Criteria: Invitae Variant Classification Sherloc (09022015). Collection method: clinical testing. Allele origin: germline.
Comment: In summary, the available evidence is currently insufficient to determine the role of this variant in disease. Therefore, it has been classified as a Variant of Uncertain Significance. Algorithms developed to predict the effect of sequence changes on RNA splicing suggest that this variant may create or strengthen a splice site. Algorithms developed to predict the effect of missense changes on protein structure and function output the following: SIFT: "Tolerated"; PolyPhen-2: "Possibly Damaging"; Align-GVGD: "Class C0". The cysteine amino acid residue is found in multiple mammalian species, which suggests that this missense change does not adversely affect protein function. This variant has not been reported in the literature in individuals affected with COG8-related conditions. This variant is present in population databases (rs751431041, gnomAD 0.005%). This sequence change replaces arginine, which is basic and polar, with cysteine, which is neutral and slightly polar, at codon 234 of the COG8 protein (p.Arg234Cys).

NM_032382.5(COG8):c.700C>T (p.Arg234Cys)

Gene: COG8 (component of oligomeric golgi complex 8; minus strand). Cytogenetic location: 16q22.1.
Variant type: single nucleotide variant.
Coding change: c.700C>T on transcript NM_032382.5 (MANE Select); coding-DNA position 700, C replaced by T.
Protein change: p.Arg234Cys; replaces arginine 234 with cysteine.
Molecular consequence: missense variant.
Genome position (GRCh38, 1-based): chr16:69,335,234, G>A on the plus strand (C>T on the coding strand, the complement: COG8 is on the minus strand). VCF-style: chr16-69335234-G-A. GRCh37 (hg19) VCF-style: chr16-69369137-G-A.
Other names: c.700C>T, p.Arg234Cys (NM_001374871.1, NM_001379261.1, NM_001379262.1 and 4 more transcripts); short protein forms R234C.
Identifiers: ClinVar variation 1449448 (VCV001449448.4), dbSNP rs751431041, ClinGen allele CA8133880.